The following is an entry in ClinVar:

NM_000264.5(PTCH1):c.1846A>G (p.Ser616Gly)

Genes: PTCH1 (patched 1; minus strand), LOC100507346 (uncharacterized LOC100507346; plus strand). Cytogenetic location: 9q22.32.
Variant type: single nucleotide variant.
Coding change: c.1846A>G on transcript NM_000264.5 (MANE Select); coding-DNA position 1846, A replaced by G.
Protein change: p.Ser616Gly; replaces serine 616 with glycine.
Molecular consequence: missense variant. On other transcripts: non-coding transcript variant (2).
Genome position (GRCh38, 1-based): chr9:95,469,814, T>C on the plus strand (A>G on the coding strand, the complement: PTCH1 is on the minus strand). VCF-style: chr9-95469814-T-C. GRCh37 (hg19) VCF-style: chr9-98232096-T-C.
Other names: c.1648A>G, p.Ser550Gly (NM_001083602.3); c.1843A>G, p.Ser615Gly (NM_001083603.3); c.1393A>G, p.Ser465Gly (NM_001083604.3, NM_001083605.3, NM_001083606.3 and 1 more transcripts); c.1690A>G, p.Ser564Gly (NM_001354918.2); short protein forms S550G, S616G, S465G, S564G, S615G.
Identifiers: ClinVar variation 428836 (VCV000428836.12), dbSNP rs1131690983, ClinGen allele CA16044079.

ClinVar aggregate classification (germline): Conflicting classifications of pathogenicity. Review status: criteria provided, conflicting classifications (1 of 4 stars). 2 submissions from 2 submitters: Pathogenic (1); Uncertain significance (1). Last evaluated 2025-11-03.

Conditions:
Hereditary cancer-predisposing syndrome. Also called: Hereditary neoplastic syndrome; Tumor predisposition; Neoplastic Syndromes, Hereditary; Hereditary Cancer Syndrome. Identifiers: Orphanet 140162, MedGen C0027672, MeSH D009386, MONDO:0015356.
Gorlin syndrome. Also called: Nevoid Basal Cell Carcinoma Syndrome; Basal cell nevus syndrome. Identifiers: Orphanet 377, MedGen C0004779, MONDO:0007187.

Submissions (2):

Labcorp Genetics (formerly Invitae), Labcorp
Classification: Uncertain significance for Gorlin syndrome. Last evaluated: 2025-11-03. Review status: criteria provided, single submitter. Criteria: Invitae Variant Classification Sherloc (09022015). Collection method: clinical testing. Allele origin: germline.
Comment: This sequence change replaces serine, which is neutral and polar, with glycine, which is neutral and non-polar, at codon 616 of the PTCH1 protein (p.Ser616Gly). This variant is not present in population databases (gnomAD no frequency). This variant has not been reported in the literature in individuals affected with PTCH1-related conditions. ClinVar contains an entry for this variant (Variation ID: 428836). Invitae Evidence Modeling of protein sequence and biophysical properties (such as structural, functional, and spatial information, amino acid conservation, physicochemical variation, residue mobility, and thermodynamic stability) indicates that this missense variant is not expected to disrupt PTCH1 protein function with a negative predictive value of 95%. Algorithms developed to predict the effect of sequence changes on RNA splicing suggest that this variant may disrupt the consensus splice site. In summary, the available evidence is currently insufficient to determine the role of this variant in disease. Therefore, it has been classified as a Variant of Uncertain Significance.

Ambry Genetics
Classification: Pathogenic for Hereditary cancer-predisposing syndrome. Last evaluated: 2025-01-13. Review status: criteria provided, single submitter. Criteria: Ambry Variant Classification Scheme 2023. Collection method: clinical testing. Allele origin: germline.
Comment: The c.1846A>G (p.S616G) alteration is located in exon 13 of the PTCH1 gene. This alteration results from an A to G substitution at nucleotide position 1846, causing the serine (S) at amino acid position 616 to be replaced by a glycine (G). This variant was not reported in population-based cohorts in the Genome Aggregation Database (gnomAD). This nucleotide position is well conserved in available higher vertebrate species. RNA studies have demonstrated that this alteration results in abnormal splicing in the set of samples tested (Ambry internal data). In silico splice site analysis predicts that this alteration will weaken the native splice donor site. Based on the available evidence, this alteration is classified as pathogenic.